The following is an entry in ClinVar:

NM_000038.6(APC):c.7164C>T (p.Ala2388=)

Gene: APC (APC regulator of Wnt signaling pathway; plus strand). Cytogenetic location: 5q22.2.
Variant type: single nucleotide variant.
Coding change: c.7164C>T on transcript NM_000038.6 (MANE Select); coding-DNA position 7164, C replaced by T.
Protein change: p.Ala2388=; no amino-acid change (alanine 2388 retained).
Molecular consequence: synonymous variant.
Genome position (GRCh38, 1-based): chr5:112,842,758, C>T. VCF-style: chr5-112842758-C-T. GRCh37 (hg19) VCF-style: chr5-112178455-C-T.
Other names: c.7164C>T, p.Ala2388= (NM_001127510.3, NM_001354895.2); c.7110C>T, p.Ala2370= (NM_001127511.3); c.7218C>T, p.Ala2406= (NM_001354896.2); c.7194C>T, p.Ala2398= (NM_001354897.2); c.7089C>T, p.Ala2363= (NM_001354898.2); c.7080C>T, p.Ala2360= (NM_001354899.2); c.7041C>T, p.Ala2347= (NM_001354900.2); c.6987C>T, p.Ala2329= (NM_001354901.2); and 5 more.
Identifiers: ClinVar variation 485096 (VCV000485096.14), dbSNP rs1554088092, ClinGen allele CA446210160.

ClinVar aggregate classification (germline): Benign/Likely benign. Review status: criteria provided, multiple submitters, no conflicts (2 of 4 stars). 3 submissions from 3 submitters: Benign (1); Likely benign (2). Last evaluated 2024-04-09.

Conditions:
Familial adenomatous polyposis 1 (FAP1). Also called: FAMILIAL ADENOMATOUS POLYPOSIS 1, ATTENUATED; POLYPOSIS, ADENOMATOUS INTESTINAL. Identifiers: MedGen C2713442, MONDO:0021056, OMIM 175100. Disease mechanism: loss of function.
Hereditary cancer-predisposing syndrome. Also called: Neoplastic Syndromes, Hereditary; Tumor predisposition; Hereditary Cancer Syndrome; Hereditary neoplastic syndrome. Identifiers: Orphanet 140162, MedGen C0027672, MeSH D009386, MONDO:0015356.

gnomAD v4.1: 2 of 1,613,906 alleles (0.00012%); highest among the groups gnomAD compares: Non-Finnish European, 0.00017%; no homozygotes.

Submissions (3):

Myriad Genetics, Inc.
Classification: Benign for Familial adenomatous polyposis 1. Last evaluated: 2024-04-09. Review status: criteria provided, single submitter. Criteria: Myriad Autosomal Dominant, Autosomal Recessive and X-Linked Classification Criteria (2023). Collection method: clinical testing. Allele origin: unknown.
Comment: This variant is considered benign. This variant is a silent/synonymous amino acid change and it is not expected to impact splicing.

Labcorp Genetics (formerly Invitae), Labcorp
Classification: Likely benign for Familial adenomatous polyposis 1. Last evaluated: 2021-10-04. Review status: criteria provided, single submitter. Criteria: Invitae Variant Classification Sherloc (09022015). Collection method: clinical testing. Allele origin: germline.

Ambry Genetics
Classification: Likely benign for Hereditary cancer-predisposing syndrome. Last evaluated: 2016-10-06. Review status: criteria provided, single submitter. Criteria: Ambry Variant Classification Scheme 2023. Collection method: clinical testing. Allele origin: germline.